The following is an entry in ClinVar:

NM_020937.4(FANCM):c.1778G>A (p.Arg593Gln)

Gene: FANCM (FA complementation group M; plus strand). Cytogenetic location: 14q21.2.
Variant type: single nucleotide variant.
Coding change: c.1778G>A on transcript NM_020937.4 (MANE Select); coding-DNA position 1778, G replaced by A.
Protein change: p.Arg593Gln; replaces arginine 593 with glutamine.
Molecular consequence: missense variant.
Genome position (GRCh38, 1-based): chr14:45,164,555, G>A. VCF-style: chr14-45164555-G-A. GRCh37 (hg19) VCF-style: chr14-45633758-G-A.
Other names: c.1700G>A, p.Arg567Gln (NM_001308133.2); c.1778G>A, p.Arg593Gln (NM_001308134.2); short protein forms R567Q, R593Q.
Identifiers: ClinVar variation 948096 (VCV000948096.9), dbSNP rs1887831277, ClinGen allele CA389594240.

ClinVar aggregate classification (germline): Uncertain significance (1 of 4 stars; one submission).

Conditions:
Fanconi anemia (FA). Also called: Fanconi's anemia. Identifiers: Orphanet 84, MedGen C0015625, MeSH D005199, MONDO:0019391.

Allele frequency attached by ClinVar (database versions not stated): gnomAD exomes below 0.00001.

Submission:

Labcorp Genetics (formerly Invitae), Labcorp
Classification: Uncertain significance for Fanconi anemia. Last evaluated: 2019-05-02. Review status: criteria provided, single submitter. Criteria: Invitae Variant Classification Sherloc (09022015). Collection method: clinical testing. Allele origin: germline.
Comment: This sequence change replaces arginine with glutamine at codon 593 of the FANCM protein (p.Arg593Gln). The arginine residue is highly conserved and there is a small physicochemical difference between arginine and glutamine. This variant is not present in population databases (ExAC no frequency). This variant has not been reported in the literature in individuals with FANCM-related conditions. Algorithms developed to predict the effect of missense changes on protein structure and function are either unavailable or do not agree on the potential impact of this missense change (SIFT: "Deleterious"; PolyPhen-2: "Benign"; Align-GVGD: "Class C0"). In summary, the available evidence is currently insufficient to determine the role of this variant in disease. Therefore, it has been classified as a Variant of Uncertain Significance.